The following is an entry in ClinVar:

NM_000878.5(IL2RB):c.1450G>A (p.Asp484Asn)

Gene: IL2RB (interleukin 2 receptor subunit beta; minus strand). Cytogenetic location: 22q12.3.
Variant type: single nucleotide variant.
Coding change: c.1450G>A on transcript NM_000878.5 (MANE Select); coding-DNA position 1450, G replaced by A.
Protein change: p.Asp484Asn; replaces aspartic acid 484 with asparagine.
Molecular consequence: missense variant.
Genome position (GRCh38, 1-based): chr22:37,128,302, C>T on the plus strand (G>A on the coding strand, the complement: IL2RB is on the minus strand). VCF-style: chr22-37128302-C-T. GRCh37 (hg19) VCF-style: chr22-37524342-C-T.
Other names: c.1450G>A, p.Asp484Asn (NM_001346223.2, NM_001346222.1); short protein forms D484N.
Identifiers: ClinVar variation 1431696 (VCV001431696.7), dbSNP rs577584390, ClinGen allele CA324043039.

ClinVar aggregate classification (germline): Uncertain significance (1 of 4 stars; one submission).

Allele frequency attached by ClinVar (database versions not stated): gnomAD 0.00001; gnomAD exomes 0.00001; 1000 Genomes Project 30x 0.00016; 1000 Genomes Project 0.00020.

Submission:

Labcorp Genetics (formerly Invitae), Labcorp
Classification: Uncertain significance. Last evaluated: 2024-11-05. Review status: criteria provided, single submitter. Criteria: Invitae Variant Classification Sherloc (09022015). Collection method: clinical testing. Allele origin: germline.
Comment: This sequence change replaces aspartic acid, which is acidic and polar, with asparagine, which is neutral and polar, at codon 484 of the IL2RB protein (p.Asp484Asn). This variant is not present in population databases (gnomAD no frequency). This variant has not been reported in the literature in individuals affected with IL2RB-related conditions. ClinVar contains an entry for this variant (Variation ID: 1431696). An algorithm developed to predict the effect of missense changes on protein structure and function (PolyPhen-2) suggests that this variant is likely to be disruptive. In summary, the available evidence is currently insufficient to determine the role of this variant in disease. Therefore, it has been classified as a Variant of Uncertain Significance.